The following is an entry in ClinVar:

NM_004415.4(DSP):c.468C>T (p.Ile156=)

Gene: DSP (desmoplakin; plus strand). Cytogenetic location: 6p24.3.
Variant type: single nucleotide variant.
Coding change: c.468C>T on transcript NM_004415.4 (MANE Select); coding-DNA position 468, C replaced by T.
Protein change: p.Ile156=; no amino-acid change (isoleucine 156 retained).
Molecular consequence: synonymous variant.
Genome position (GRCh38, 1-based): chr6:7,559,271, C>T. VCF-style: chr6-7559271-C-T. GRCh37 (hg19) VCF-style: chr6-7559504-C-T.
Other names: c.468C>T, p.Ile156= (NM_001008844.3, NM_001319034.2, NM_001406591.1).
Identifiers: ClinVar variation 3386616 (VCV003386616.1).

ClinVar aggregate classification (germline): Uncertain significance (1 of 4 stars; one submission).

Conditions:
Arrhythmogenic cardiomyopathy with wooly hair and keratoderma. Also called: Carvajal syndrome; PALMOPLANTAR KERATODERMA WITH LEFT VENTRICULAR CARDIOMYOPATHY AND WOOLLY HAIR; Dilated cardiomyopathy with woolly hair and keratoderma; Arrhythmogenic cardiomyopathy with woolly hair and keratoderma. Identifiers: Orphanet 65282, MedGen C1854063, MONDO:0011581, OMIM 605676.

gnomAD v4.1: 1 of 1,613,898 alleles (0.000062%); highest among the groups gnomAD compares: Non-Finnish European, 0.000085%; no homozygotes.

Submission:

All of Us Research Program, National Institutes of Health
Classification: Uncertain significance for Arrhythmogenic cardiomyopathy with wooly hair and keratoderma. Last evaluated: 2024-07-20. Review status: criteria provided, single submitter. Criteria: ACMG Guidelines, 2015. Collection method: clinical testing. Allele origin: germline. Inheritance: Autosomal dominant inheritance. Observed: 1 variant allele, 1 heterozygote.
Comment: This variant is located in the DSP protein. To our knowledge, functional studies have not been reported for this variant. This variant has not been reported in individuals affected with DSP-related disorders in the literature. This variant has not been identified in the general population by the Genome Aggregation Database (gnomAD). The available evidence is insufficient to determine the role of this variant in disease conclusively. Therefore, this variant is classified as a Variant of Uncertain Significance.

This study involves interpretation of variants in research participants for the purpose of population health screening. Participant phenotype was not available at the time of variant classification. Additional details can be found in publication PMID: 35346344, PMCID: PMC8962531